The following is an entry in ClinVar:

NM_006031.6(PCNT):c.5989C>T (p.Pro1997Ser)

Gene: PCNT (pericentrin; plus strand). Cytogenetic location: 21q22.3.
Variant type: single nucleotide variant.
Coding change: c.5989C>T on transcript NM_006031.6 (MANE Select); coding-DNA position 5989, C replaced by T.
Protein change: p.Pro1997Ser; replaces proline 1997 with serine.
Molecular consequence: missense variant.
Genome position (GRCh38, 1-based): chr21:46,412,062, C>T. VCF-style: chr21-46412062-C-T. GRCh37 (hg19) VCF-style: chr21-47831976-C-T.
Other names: c.5635C>T, p.Pro1879Ser (NM_001315529.2); short protein forms P1879S, P1997S.
Identifiers: ClinVar variation 3346758 (VCV003346758.1).

ClinVar aggregate classification (germline): Uncertain significance (0 of 4 stars; one submission).

Conditions:
PCNT-related disorder. Also called: PCNT-related condition.

gnomAD v4.1: 7 of 1,606,666 alleles (0.00044%); no homozygotes.

Submission:

PreventionGenetics, part of Exact Sciences
Classification: Uncertain significance for PCNT-related condition. Last evaluated: 2024-08-06. Review status: no assertion criteria provided. Collection method: clinical testing. Allele origin: germline.
Comment: The PCNT c.5989C>T variant is predicted to result in the amino acid substitution p.Pro1997Ser. To our knowledge, this variant has not been reported in the literature. This variant is reported in 0.020% of alleles in individuals of Ashkenazi Jewish descent in gnomAD. At this time, the clinical significance of this variant is uncertain due to the absence of conclusive functional and genetic evidence.